The following is an entry in ClinVar:

NM_016222.4(DDX41):c.374-3C>T

Gene: DDX41 (DEAD-box helicase 41; minus strand). Cytogenetic location: 5q35.3.
Variant type: single nucleotide variant.
Coding change: c.374-3C>T on transcript NM_016222.4 (MANE Select); 3 bases into the intron before coding-DNA position 374, C replaced by T.
Molecular consequence: intron variant.
Genome position (GRCh38, 1-based): chr5:177,515,992, G>A on the plus strand (C>T on the coding strand, the complement: DDX41 is on the minus strand). VCF-style: chr5-177515992-G-A. GRCh37 (hg19) VCF-style: chr5-176942993-G-A.
Other names: c.-5-3C>T (NM_001321830.2, NM_001321732.2).
Identifiers: ClinVar variation 4238726 (VCV004238726.1).

ClinVar aggregate classification (germline): Uncertain significance (1 of 4 stars; one submission).

Conditions:
Inborn genetic diseases. Identifiers: MedGen C0950123, MeSH D030342.

gnomAD v4.1: 16 of 1,614,198 alleles (0.00099%); highest among the groups gnomAD compares: Non-Finnish European, 0.0014%; 1 homozygote.

Submission:

Ambry Genetics
Classification: Uncertain significance for Inborn genetic diseases. Last evaluated: 2025-07-01. Review status: criteria provided, single submitter. Criteria: Ambry Variant Classification Scheme 2023. Collection method: clinical testing. Allele origin: germline.
Comment: The c.374-3C>T intronic variant results from a C to T substitution 3 nucleotides upstream from coding exon 5 in the DDX41 gene. This nucleotide position is well conserved in available vertebrate species. In silico splice site analysis predicts that this alteration will not have any significant effect on splicing. Based on the available evidence, the clinical significance of this variant remains unclear.